The following is an entry in ClinVar:

ClinVar aggregate classification (germline): Uncertain significance. Review status: criteria provided, multiple submitters, no conflicts (2 of 4 stars). 4 submissions from 4 submitters: Uncertain significance (4). Last evaluated 2026-02-19.

Conditions:
Cardiovascular phenotype. Identifiers: MedGen CN230736.
Hypertrophic cardiomyopathy. Also called: HYPERTROPHIC MYOCARDIOPATHY. Identifiers: Orphanet 217569, MedGen C0007194, MeSH D002312, MONDO:0005045, HP:0001639.
JPH2-related disorder. Also called: JPH2-related condition.

Allele frequency attached by ClinVar (database versions not stated): gnomAD exomes below 0.00001; ExAC 0.00001; gnomAD 0.00003 and 0.00004; TOPMed 0.00008; 1000 Genomes Project 30x 0.00016; 1000 Genomes Project 0.00020.
gnomAD v4.1: 8 of 1,607,296 alleles (0.0005%); highest among the groups gnomAD compares: Admixed American, 0.01%; no homozygotes.

Submissions (4):

PreventionGenetics, part of Exact Sciences
Classification: Uncertain significance for JPH2-related condition. Last evaluated: 2026-02-19. Review status: criteria provided, single submitter. Criteria: ACMG Guidelines, 2015. Collection method: clinical testing. Allele origin: germline.
Comment: The JPH2 c.2062G>A variant is predicted to result in the amino acid substitution p.Ala688Thr. To our knowledge, this variant has not been reported in the literature. This variant is reported in 0.00093% of alleles in individuals of European (Non-Finnish) descent in gnomAD. At this time, the clinical significance of this variant is uncertain due to the absence of conclusive functional and genetic evidence.

Ambry Genetics
Classification: Uncertain significance for Cardiovascular phenotype. Last evaluated: 2024-10-08. Review status: criteria provided, single submitter. Criteria: Ambry Variant Classification Scheme 2023. Collection method: clinical testing. Allele origin: germline.

Labcorp Genetics (formerly Invitae), Labcorp
Classification: Uncertain significance for Hypertrophic cardiomyopathy. Last evaluated: 2024-06-17. Review status: criteria provided, single submitter. Criteria: Invitae Variant Classification Sherloc (09022015). Collection method: clinical testing. Allele origin: germline.
Comment: This sequence change replaces alanine, which is neutral and non-polar, with threonine, which is neutral and polar, at codon 688 of the JPH2 protein (p.Ala688Thr). The frequency data for this variant in the population databases is considered unreliable, as metrics indicate poor data quality at this position in the gnomAD database. This variant has not been reported in the literature in individuals affected with JPH2-related conditions. ClinVar contains an entry for this variant (Variation ID: 939607). An algorithm developed to predict the effect of missense changes on protein structure and function (PolyPhen-2) suggests that this variant is likely to be disruptive. In summary, the available evidence is currently insufficient to determine the role of this variant in disease. Therefore, it has been classified as a Variant of Uncertain Significance.

GeneDx
Classification: Uncertain significance. Last evaluated: 2022-02-19. Review status: criteria provided, single submitter. Criteria: GeneDx Variant Classification Process June 2021. Collection method: clinical testing. Allele origin: germline. Affected: yes.
Comment: In silico analysis supports that this missense variant does not alter protein structure/function; Has not been previously published as pathogenic or benign to our knowledge

NM_020433.5(JPH2):c.2062G>A (p.Ala688Thr)

Gene: JPH2 (junctophilin 2; minus strand). Cytogenetic location: 20q13.12.
Variant type: single nucleotide variant.
Coding change: c.2062G>A on transcript NM_020433.5 (MANE Select); coding-DNA position 2062, G replaced by A.
Protein change: p.Ala688Thr; replaces alanine 688 with threonine.
Molecular consequence: missense variant.
Genome position (GRCh38, 1-based): chr20:44,114,825, C>T on the plus strand (G>A on the coding strand, the complement: JPH2 is on the minus strand). VCF-style: chr20-44114825-C-T. GRCh37 (hg19) VCF-style: chr20-42743465-C-T.
Other names: short protein forms A688T.
Identifiers: ClinVar variation 939607 (VCV000939607.15), dbSNP rs540933939, ClinGen allele CA9868512.